The following is an entry in ClinVar:

ClinVar aggregate classification (germline): Uncertain significance. Review status: criteria provided, multiple submitters, no conflicts (2 of 4 stars). 2 submissions from 2 submitters: Uncertain significance (2). Last evaluated 2024-12-13.

Allele frequency attached by ClinVar (database versions not stated): TOPMed below 0.00001; gnomAD 0.00001.

Submissions (2):

GeneDx
Classification: Uncertain significance. Last evaluated: 2024-12-13. Review status: criteria provided, single submitter. Criteria: GeneDx Variant Classification Process June 2021. Collection method: clinical testing. Allele origin: germline. Affected: yes.
Comment: Not observed at significant frequency in large population cohorts (gnomAD); In silico analysis supports that this missense variant has a deleterious effect on protein structure/function; Has not been previously published as pathogenic or benign to our knowledge

Labcorp Genetics (formerly Invitae), Labcorp
Classification: Uncertain significance. Last evaluated: 2022-08-16. Review status: criteria provided, single submitter. Criteria: Invitae Variant Classification Sherloc (09022015). Collection method: clinical testing. Allele origin: germline.
Comment: This sequence change replaces serine, which is neutral and polar, with tyrosine, which is neutral and polar, at codon 262 of the COQ9 protein (p.Ser262Tyr). This variant is present in population databases (no rsID available, gnomAD no frequency). This variant has not been reported in the literature in individuals affected with COQ9-related conditions. ClinVar contains an entry for this variant (Variation ID: 1379962). Algorithms developed to predict the effect of missense changes on protein structure and function are either unavailable or do not agree on the potential impact of this missense change (SIFT: "Deleterious"; PolyPhen-2: "Benign"; Align-GVGD: "Class C0"). In summary, the available evidence is currently insufficient to determine the role of this variant in disease. Therefore, it has been classified as a Variant of Uncertain Significance.

NM_020312.4(COQ9):c.785C>A (p.Ser262Tyr)

Gene: COQ9 (coenzyme Q9; plus strand). Cytogenetic location: 16q21.
Variant type: single nucleotide variant.
Coding change: c.785C>A on transcript NM_020312.4 (MANE Select); coding-DNA position 785, C replaced by A.
Protein change: p.Ser262Tyr; replaces serine 262 with tyrosine.
Molecular consequence: missense variant.
Genome position (GRCh38, 1-based): chr16:57,459,638, C>A. VCF-style: chr16-57459638-C-A. GRCh37 (hg19) VCF-style: chr16-57493550-C-A.
Other names: c.785C>A (NM_020312.1); short protein forms S262Y.
Identifiers: ClinVar variation 1379962 (VCV001379962.4), dbSNP rs1252710394, ClinGen allele CA396030186.
Genomic context (GRCh38, chr16:57,459,638, plus strand): 5'-CCCGCCGAGCCATGCTGGCTGCCATCTACAACACAACAGAGCTGGTGATGATGCAGGACT[C>A]CTCTCCAGACTTTGAGGACACTTGGCGCTTCCTGGAAAACCGGGTTAATGATGCAATGAA-3'
Protein context (NP_064708.1, residues 252-272): NTTELVMMQD[Ser262Tyr]SPDFEDTWRF